The following is an entry in ClinVar:

ClinVar aggregate classification (germline): Pathogenic. Review status: criteria provided, multiple submitters, no conflicts (2 of 4 stars). 2 submissions from 2 submitters: Pathogenic (2). Last evaluated 2025-10-06.

Conditions:
Familial cancer of breast. Also called: BREAST CANCER, FAMILIAL; Hereditary breast cancer; hereditary breast carcinoma. Identifiers: Orphanet 227535, MedGen C0346153, MONDO:0016419, OMIM 114480. Disease mechanism: loss of function.

Submissions (2):

Labcorp Genetics (formerly Invitae), Labcorp
Classification: Pathogenic for Familial cancer of breast. Last evaluated: 2025-10-06. Review status: criteria provided, single submitter. Criteria: Invitae Variant Classification Sherloc (09022015). Collection method: clinical testing. Allele origin: germline.
Comment: This sequence change creates a premature translational stop signal (p.Leu329Lysfs*2) in the PALB2 gene. It is expected to result in an absent or disrupted protein product. Loss-of-function variants in PALB2 are known to be pathogenic (PMID: 17200668, 17200671, 17200672, 24136930, 25099575). This variant is not present in population databases (gnomAD no frequency). This variant has not been reported in the literature in individuals affected with PALB2-related conditions. For these reasons, this variant has been classified as Pathogenic.

Myriad Genetics, Inc.
Classification: Pathogenic for Familial cancer of breast. Last evaluated: 2023-09-07. Review status: criteria provided, single submitter. Criteria: Myriad Autosomal Dominant, Autosomal Recessive and X-Linked Classification Criteria (2023). Collection method: clinical testing. Allele origin: unknown.
Comment: This variant is considered pathogenic. This variant creates a frameshift predicted to result in premature protein truncation.

Literature cited by the submitters: PubMed 17200668 (cited by Labcorp Genetics (formerly Invitae), Labcorp); PubMed 17200671 (cited by Labcorp Genetics (formerly Invitae), Labcorp); PubMed 17200672 (cited by Labcorp Genetics (formerly Invitae), Labcorp); PubMed 24136930 (cited by Labcorp Genetics (formerly Invitae), Labcorp); PubMed 25099575 (cited by Labcorp Genetics (formerly Invitae), Labcorp).

NM_024675.4(PALB2):c.985_986del (p.Leu329fs)

Gene: PALB2 (partner and localizer of BRCA2; minus strand). Cytogenetic location: 16p12.2.
Variant type: Microsatellite.
Coding change: c.985_986del on transcript NM_024675.4 (MANE Select); coding-DNA positions 985 to 986, 2 bases deleted (CT; older notation c.985_986delCT).
Protein change: p.Leu329fs; shifts the reading frame from leucine 329.
Molecular consequence: frameshift variant.
Genome position (GRCh38, 1-based): chr16:23,635,560-23,635,561, AG deleted on the plus strand (CT on the coding strand, the reverse complement: PALB2 is on the minus strand); deleting any 2 consecutive bases within chr16:23,635,560-23,635,564 gives the same sequence; the c. name uses the placement nearest the transcript's 3' end. VCF-style (leftmost placement, unchanged base first): chr16-23635559-TAG-T. GRCh37 (hg19) VCF-style: chr16-23646880-TAG-T.
Other names: c.985_986delCT (NM_024675.3); short protein forms L329fs.
Identifiers: ClinVar variation 461036 (VCV000461036.8), dbSNP rs1555461514, ClinGen allele CA658658435.